The following is an entry in ClinVar:

ClinVar aggregate classification (germline): Uncertain significance (1 of 4 stars; one submission).

Conditions:
Peroxisome biogenesis disorder. Identifiers: Orphanet 79189, MedGen C1832200, MONDO:0019234. Disease mechanism: loss of function.

Allele frequency attached by ClinVar (database versions not stated): gnomAD exomes below 0.00001.
gnomAD v4.1: 4 of 1,548,996 alleles (0.00026%); highest among the groups gnomAD compares: Non-Finnish European, 0.00035%; no homozygotes.

Submission:

Labcorp Genetics (formerly Invitae), Labcorp
Classification: Uncertain significance for Peroxisome biogenesis disorder. Last evaluated: 2022-06-30. Review status: criteria provided, single submitter. Criteria: Invitae Variant Classification Sherloc (09022015). Collection method: clinical testing. Allele origin: germline.
Comment: In summary, the available evidence is currently insufficient to determine the role of this variant in disease. Therefore, it has been classified as a Variant of Uncertain Significance. Algorithms developed to predict the effect of missense changes on protein structure and function (SIFT, PolyPhen-2, Align-GVGD) all suggest that this variant is likely to be tolerated. ClinVar contains an entry for this variant (Variation ID: 961412). This variant has not been reported in the literature in individuals affected with PEX16-related conditions. This variant is not present in population databases (gnomAD no frequency). This sequence change replaces glutamine, which is neutral and polar, with lysine, which is basic and polar, at codon 12 of the PEX16 protein (p.Gln12Lys).

NM_004813.4(PEX16):c.34C>A (p.Gln12Lys)

Gene: PEX16 (peroxisomal biogenesis factor 16; minus strand). Cytogenetic location: 11p11.2.
Variant type: single nucleotide variant.
Coding change: c.34C>A on transcript NM_004813.4 (MANE Select); coding-DNA position 34, C replaced by A.
Protein change: p.Gln12Lys; replaces glutamine 12 with lysine.
Molecular consequence: missense variant.
Genome position (GRCh38, 1-based): chr11:45,917,778, G>T on the plus strand (C>A on the coding strand, the complement: PEX16 is on the minus strand). VCF-style: chr11-45917778-G-T. GRCh37 (hg19) VCF-style: chr11-45939329-G-T.
Other names: c.34C>A, p.Gln12Lys (NM_057174.3); short protein forms Q12K.
Identifiers: ClinVar variation 961412 (VCV000961412.10), dbSNP rs2086854813, ClinGen allele CA380231101.
Genomic context (GRCh38, chr11:45,917,778, plus strand): 5'-AGCCCCGCACTGCTGTCTCCAGCTGGGCCGTGGCGGCCGGGTGACGAGTCACGTACTCCT[G>T]GTAGCGGAGGCCCAGGAGCCGCAGCTTCTCCATCCTGCCCTCGGCACCGACAGACCCACA-3'
Protein context (NP_004804.2, residues 2-22): EKLRLLGLRY[Gln12Lys]EYVTRHPAAT